The following is an entry in ClinVar:

ClinVar aggregate classification (germline): Likely benign (0 of 4 stars; one submission).

Conditions:
DHCR7-related disorder. Also called: DHCR7-related condition.

Allele frequency attached by ClinVar (database versions not stated): ExAC 0.00002; gnomAD 0.00002; gnomAD exomes 0.00002; TOPMed 0.00002; 1000 Genomes Project 30x 0.00016; 1000 Genomes Project 0.00020.
gnomAD v4.1: 24 of 1,611,100 alleles (0.0015%); highest among the groups gnomAD compares: African/African-American, 0.004%; no homozygotes.

Submission:

PreventionGenetics, part of Exact Sciences
Classification: Likely benign for DHCR7-related condition. Last evaluated: 2021-06-07. Review status: no assertion criteria provided. Collection method: clinical testing. Allele origin: germline.
Comment: This variant is classified as likely benign based on ACMG/AMP sequence variant interpretation guidelines (Richards et al. 2015 PMID: 25741868, with internal and published modifications).

NM_001360.3(DHCR7):c.*7G>A

Gene: DHCR7 (7-dehydrocholesterol reductase; minus strand). Cytogenetic location: 11q13.4.
Variant type: single nucleotide variant.
Coding change: c.*7G>A on transcript NM_001360.3 (MANE Select); 7 bases downstream of the stop codon, G replaced by A.
Molecular consequence: 3 prime UTR variant.
Genome position (GRCh38, 1-based): chr11:71,435,368, C>T on the plus strand (G>A on the coding strand, the complement: DHCR7 is on the minus strand). VCF-style: chr11-71435368-C-T. GRCh37 (hg19) VCF-style: chr11-71146414-C-T.
Other names: c.*7G>A (NM_001163817.2, NM_001425107.1, NM_001425108.1 and 5 more transcripts); c.*198G>A (NM_001425112.1, NM_001425116.1); c.*557G>A (NM_001425119.1).
Identifiers: ClinVar variation 3030902 (VCV003030902.2), dbSNP rs537515766, ClinGen allele CA6162228.